The following is an entry in ClinVar:

ClinVar aggregate classification (germline): Benign (1 of 4 stars; one submission).

Submission:

GeneDx
Classification: Benign. Last evaluated: 2018-06-14. Review status: criteria provided, single submitter. Criteria: GeneDx Variant Classification (06012015). Collection method: clinical testing. Allele origin: germline. Affected: yes.
Comment: This variant is considered likely benign or benign based on one or more of the following criteria: it is a conservative change, it occurs at a poorly conserved position in the protein, it is predicted to be benign by multiple in silico algorithms, and/or has population frequency not consistent with disease.

NM_182961.4(SYNE1):c.15438+99del

Gene: SYNE1 (spectrin repeat containing nuclear envelope protein 1; minus strand). Cytogenetic location: 6q25.2.
Variant type: Deletion.
Coding change: c.15438+99del on transcript NM_182961.4 (MANE Select); 99 bases into the intron after coding-DNA position 15438, one base deleted (T; older notation c.15438+99delT).
Molecular consequence: intron variant.
Genome position (GRCh38, 1-based): chr6:152,325,859, A deleted on the plus strand (T on the coding strand, the reverse complement: SYNE1 is on the minus strand); the first of 6 consecutive A bases (chr6:152,325,859-152,325,864); deleting any one gives the same sequence. VCF-style (leftmost placement, unchanged base first): chr6-152325858-GA-G. GRCh37 (hg19) VCF-style: chr6-152646993-GA-G.
Other names: c.15225+99del (NM_033071.5).
Identifiers: ClinVar variation 670180 (VCV000670180.1), dbSNP rs3215013, ClinGen allele CA150171401.